The following is an entry in ClinVar:

ClinVar aggregate classification (germline): Uncertain significance (1 of 4 stars; one submission).

Conditions:
Progressive familial heart block type IB (PFHB1B). Identifiers: Orphanet 871, MedGen C1970298, MONDO:0011474, OMIM 604559.

Submission:

Labcorp Genetics (formerly Invitae), Labcorp
Classification: Uncertain significance for Progressive familial heart block type IB. Last evaluated: 2022-10-20. Review status: criteria provided, single submitter. Criteria: Invitae Variant Classification Sherloc (09022015). Collection method: clinical testing. Allele origin: germline.
Comment: In summary, the available evidence is currently insufficient to determine the role of this variant in disease. Therefore, it has been classified as a Variant of Uncertain Significance. Algorithms developed to predict the effect of sequence changes on RNA splicing suggest that this variant may disrupt the consensus splice site. This variant has not been reported in the literature in individuals affected with TRPM4-related conditions. This variant is not present in population databases (gnomAD no frequency). This variant, c.962_982dup, results in the insertion of 7 amino acid(s) of the TRPM4 protein (p.Pro321_Arg327dup), but otherwise preserves the integrity of the reading frame.

NM_017636.4(TRPM4):c.962_982dup (p.Arg327_Gln328insProGlySerGlyGlyAlaArg)

Gene: TRPM4 (transient receptor potential cation channel subfamily M member 4; plus strand). Cytogenetic location: 19q13.33.
Variant type: Duplication.
Coding change: c.962_982dup on transcript NM_017636.4 (MANE Select); coding-DNA positions 962 to 982, 21 bases duplicated (CAGGGAGTGGGGGAGCCAGGC).
Protein change: p.Arg327_Gln328insProGlySerGlyGlyAlaArg.
Molecular consequence: inframe insertion. On other transcripts: 5 prime UTR variant (1).
Genome position (GRCh38, 1-based): chr19:49,171,681-49,171,701, CAGGGAGTGGGGGAGCCAGGC duplicated; duplicating any 21 consecutive bases within chr19:49,171,680-49,171,701 gives the same sequence; the c. name uses the placement nearest the transcript's 3' end. VCF-style (leftmost placement, unchanged base first): chr19-49171679-C-CCCAGGGAGTGGGGGAGCCAGG. GRCh37 (hg19) VCF-style: chr19-49674936-C-CCCAGGGAGTGGGGGAGCCAGG.
Other names: c.962_982dup, p.Arg327_Gln328insProGlySerGlyGlyAlaArg (NM_001195227.2); c.617_637dup, p.Arg212_Gln213insProGlySerGlyGlyAlaArg (NM_001321281.2); c.-592_-572dup (NM_001321282.2); c.440_460dup, p.Arg153_Gln154insProGlySerGlyGlyAlaArg (NM_001321283.2); c.113_133dup, p.Arg44_Gln45insProGlySerGlyGlyAlaArg (NM_001321285.2).
Identifiers: ClinVar variation 2143755 (VCV002143755.4), dbSNP rs1967463109, ClinGen allele CA2340275069.